The following is an entry in ClinVar:

NC_000009.11:g.(?_140964190)_(140964235_?)del

Gene: CACNA1B (calcium voltage-gated channel subunit alpha1 B; plus strand). Cytogenetic location: 9q34.3.
Variant type: Deletion.
Identifiers: ClinVar variation 2423353 (VCV002423353.4).

ClinVar aggregate classification (germline): Uncertain significance (1 of 4 stars; one submission).

Submission:

Labcorp Genetics (formerly Invitae), Labcorp
Classification: Uncertain significance. Last evaluated: 2022-07-16. Review status: criteria provided, single submitter. Criteria: Invitae Variant Classification Sherloc (09022015). Collection method: clinical testing. Allele origin: germline.
Comment: In summary, the available evidence is currently insufficient to determine the role of this variant in disease. Therefore, it has been classified as a Variant of Uncertain Significance. Experimental studies and prediction algorithms are not available or were not evaluated, and the functional significance of this variant is currently unknown. This variant has not been reported in the literature in individuals affected with CACNA1B-related conditions. This variant is a gross deletion of the genomic region encompassing exon(s) 32 of the CACNA1B gene. This variant would be expected to be in-frame, preserving the integrity of the reading frame.